The following is an entry in ClinVar:

ClinVar aggregate classification (germline): Likely pathogenic (1 of 4 stars; one submission).

Conditions:
Intellectual developmental disorder with autism and macrocephaly. Also called: Autism, susceptibility to, 18; CHD8-Related Neurodevelopmental Disorder with Overgrowth. Identifiers: Orphanet 642675, MedGen C3554373, MONDO:0014017, OMIM 615032.
Autism spectrum disorder. Also called: Autism spectrum disorders. Identifiers: MedGen C1510586, MeSH D000067877, MONDO:0005258.
CHD8-related disorder. Also called: CHD8-related condition; CHD8-related disorders.

Submission:

GeneDx
Classification: Likely pathogenic. Last evaluated: 2016-09-21. Review status: criteria provided, single submitter. Criteria: GeneDx Variant Classification (06012015). Collection method: clinical testing. Allele origin: germline. Affected: yes.
Comment: The G1103V variant in the CHD8 gene has not been reported previously as a pathogenic variant, nor as a benign variant, to our knowledge. The G1103V variant was not observed in approximately 5900 individuals of European and African American ancestry in the NHLBI Exome Sequencing Project, indicating it is not a common benign variant in these populations.The G1103V variant is a conservative amino acid substitution, which is not likely to impact secondary protein structure as these residues share similar properties. This substitution occurs at a position that is conserved across species. In silico analysis predicts this variant is probably damaging to the protein structure/function. We interpret G1103V as a variant of uncertain significance.

NM_001170629.2(CHD8):c.3308G>T (p.Gly1103Val)

Gene: CHD8 (chromodomain helicase DNA binding protein 8; minus strand). Cytogenetic location: 14q11.2.
Variant type: single nucleotide variant.
Coding change: c.3308G>T on transcript NM_001170629.2 (MANE Select); coding-DNA position 3308, G replaced by T.
Protein change: p.Gly1103Val; replaces glycine 1103 with valine.
Molecular consequence: missense variant.
Genome position (GRCh38, 1-based): chr14:21,403,663, C>A on the plus strand (G>T on the coding strand, the complement: CHD8 is on the minus strand). VCF-style: chr14-21403663-C-A. GRCh37 (hg19) VCF-style: chr14-21871822-C-A.
Other names: c.2471G>T, p.Gly824Val (NM_020920.4); short protein forms G1103V, G824V.
Identifiers: ClinVar variation 422245 (VCV000422245.4), dbSNP rs1064795655, ClinGen allele CA16619836.